The following is an entry in ClinVar:

ClinVar aggregate classification (germline): Likely benign (0 of 4 stars; one submission).

Conditions:
COL6A2-related disorder.

Allele frequency attached by ClinVar (database versions not stated): 1000 Genomes Project 0.00060; 1000 Genomes Project 30x 0.00062; TOPMed 0.00158.
gnomAD v4.1: 3,146 of 1,467,494 alleles (0.21%); highest among the groups gnomAD compares: Non-Finnish European, 0.29%; 7 homozygotes.

Submission:

PreventionGenetics, part of Exact Sciences
Classification: Likely benign for COL6A2-related condition. Last evaluated: 2022-09-07. Review status: no assertion criteria provided. Collection method: clinical testing. Allele origin: germline.
Comment: This variant is classified as likely benign based on ACMG/AMP sequence variant interpretation guidelines (Richards et al. 2015 PMID: 25741868, with internal and published modifications).

NC_000021.9:g.46136370G>T

Genes: COL6A2 (collagen type VI alpha 2 chain; plus strand), FTCD (formimidoyltransferase cyclodeaminase; minus strand). Cytogenetic location: 21q22.3.
Variant type: single nucleotide variant.
Molecular consequence: 3 prime UTR variant (on NM_001320412.2).
Genome position: GRCh38 VCF-style: chr21-46136370-G-T. GRCh37 (hg19) VCF-style: chr21-47556284-G-T.
Other names: c.*84C>A (NM_001320412.2); c.*127C>A (NM_006657.3).
Identifiers: ClinVar variation 340405 (VCV000340405.9), dbSNP rs538433909, ClinGen allele CA10653103.
Genomic context (GRCh38, chr21:46,136,370, plus strand): 5'-GCTGGCTGGGCAGGGAGCTGAGGCAGGGAGGAAAAGTCTCCCAGGAGCCACTGGTTGAAG[G>T]GTGGACGGGAACTGAGGACAGGGCCAGTACCGTGCTCTGTGGAACTGTCCAGACCTGCCG-3'